The following is an entry in ClinVar:

NM_001374385.1(ATP8B1):c.3361G>A (p.Gly1121Arg)

Genes: ATP8B1 (ATPase phospholipid transporting 8B1; minus strand), ATP8B1-AS1 (ATP8B1 antisense RNA 1; plus strand). Cytogenetic location: 18q21.31.
Variant type: single nucleotide variant.
Coding change: c.3361G>A on transcript NM_001374385.1 (MANE Select); coding-DNA position 3361, G replaced by A.
Protein change: p.Gly1121Arg; replaces glycine 1121 with arginine.
Molecular consequence: missense variant.
Genome position (GRCh38, 1-based): chr18:57,652,073, C>T on the plus strand (G>A on the coding strand, the complement: ATP8B1 is on the minus strand). VCF-style: chr18-57652073-C-T. GRCh37 (hg19) VCF-style: chr18-55319305-C-T.
Other names: c.3211G>A, p.Gly1071Arg (NM_001374386.1); c.3361G>A, p.Gly1121Arg (NM_005603.6); short protein forms G1071R, G1121R.
Identifiers: ClinVar variation 4991192 (VCV004991192.1).

ClinVar aggregate classification (germline): Uncertain significance (1 of 4 stars; one submission).

Conditions:
ATP8B1-related disorder. Also called: ATP8B1-related disorders; ATP8B1-related condition.

gnomAD v4.1: 1 of 1,613,890 alleles (0.000062%); highest among the groups gnomAD compares: Non-Finnish European, 0.000085%; no homozygotes.

Submission:

PreventionGenetics, part of Exact Sciences
Classification: Uncertain significance for ATP8B1-related condition. Last evaluated: 2025-11-25. Review status: criteria provided, single submitter. Criteria: ACMG Guidelines, 2015. Collection method: clinical testing. Allele origin: germline.
Comment: The ATP8B1 c.3361G>A variant is predicted to result in the amino acid substitution p.Gly1121Arg. To our knowledge, this variant has not been reported in the literature or in a large population database (gnomAD), indicating this variant is rare. At this time, the clinical significance of this variant is uncertain due to the absence of conclusive functional and genetic evidence.